The following is an entry in ClinVar:

NM_005559.4(LAMA1):c.8128G>C (p.Val2710Leu)

Genes: LAMA1 (laminin subunit alpha 1; minus strand), LOC101927188 (uncharacterized LOC101927188; plus strand). Cytogenetic location: 18p11.31.
Variant type: single nucleotide variant.
Coding change: c.8128G>C on transcript NM_005559.4 (MANE Select); coding-DNA position 8128, G replaced by C.
Protein change: p.Val2710Leu; replaces valine 2710 with leucine.
Molecular consequence: missense variant. On other transcripts: non-coding transcript variant (1).
Genome position (GRCh38, 1-based): chr18:6,955,432, C>G on the plus strand (G>C on the coding strand, the complement: LAMA1 is on the minus strand). VCF-style: chr18-6955432-C-G. GRCh37 (hg19) VCF-style: chr18-6955431-C-G.
Other names: short protein forms V2710L.
Identifiers: ClinVar variation 1904103 (VCV001904103.5), dbSNP rs958888771, ClinGen allele CA295775199.

ClinVar aggregate classification (germline): Uncertain significance (1 of 4 stars; one submission).

gnomAD v4.1: 2 of 1,614,110 alleles (0.00012%); highest among the groups gnomAD compares: Admixed American, 0.0033%; no homozygotes.

Submission:

Labcorp Genetics (formerly Invitae), Labcorp
Classification: Uncertain significance. Last evaluated: 2025-05-05. Review status: criteria provided, single submitter. Criteria: Invitae Variant Classification Sherloc (09022015). Collection method: clinical testing. Allele origin: germline.
Comment: This sequence change replaces valine, which is neutral and non-polar, with leucine, which is neutral and non-polar, at codon 2710 of the LAMA1 protein (p.Val2710Leu). This variant is present in population databases (no rsID available, gnomAD 0.003%). This variant has not been reported in the literature in individuals affected with LAMA1-related conditions. ClinVar contains an entry for this variant (Variation ID: 1904103). An algorithm developed to predict the effect of missense changes on protein structure and function (PolyPhen-2) suggests that this variant is likely to be tolerated. In summary, the available evidence is currently insufficient to determine the role of this variant in disease. Therefore, it has been classified as a Variant of Uncertain Significance.